The following is an entry in ClinVar:

ClinVar aggregate classification (germline): Uncertain significance (1 of 4 stars; one submission).

gnomAD v4.1: 1 of 1,610,376 alleles (0.000062%); highest among the groups gnomAD compares: Non-Finnish European, 0.000085%; no homozygotes.

Submission:

Ambry Genetics
Classification: Uncertain significance. Last evaluated: 2025-01-13. Review status: criteria provided, single submitter. Criteria: Ambry Variant Classification Scheme 2023. Collection method: clinical testing. Allele origin: germline.
Comment: The p.A357V variant (also known as c.1070C>T), located in coding exon 10 of the SRP72 gene, results from a C to T substitution at nucleotide position 1070. The alanine at codon 357 is replaced by valine, an amino acid with similar properties. This amino acid position is conserved. In addition, this alteration is predicted to be deleterious by in silico analysis. Based on the available evidence, the clinical significance of this variant remains unclear.

NM_006947.4(SRP72):c.1070C>T (p.Ala357Val)

Gene: SRP72 (signal recognition particle 72; plus strand). Cytogenetic location: 4q12.
Variant type: single nucleotide variant.
Coding change: c.1070C>T on transcript NM_006947.4 (MANE Select); coding-DNA position 1070, C replaced by T.
Protein change: p.Ala357Val; replaces alanine 357 with valine.
Molecular consequence: missense variant. On other transcripts: non-coding transcript variant (1).
Genome position (GRCh38, 1-based): chr4:56,484,848, C>T. VCF-style: chr4-56484848-C-T. GRCh37 (hg19) VCF-style: chr4-57351014-C-T.
Other names: c.887C>T, p.Ala296Val (NM_001267722.2); short protein forms A296V, A357V.
Identifiers: ClinVar variation 3801439 (VCV003801439.1).